The following is an entry in ClinVar:

ClinVar aggregate classification (germline): Pathogenic (1 of 4 stars; one submission).

Conditions:
Hypertrophic cardiomyopathy. Also called: HYPERTROPHIC MYOCARDIOPATHY. Identifiers: Orphanet 217569, MedGen C0007194, MeSH D002312, MONDO:0005045, HP:0001639.

Submission:

Labcorp Genetics (formerly Invitae), Labcorp
Classification: Pathogenic for Hypertrophic cardiomyopathy. Last evaluated: 2021-08-13. Review status: criteria provided, single submitter. Criteria: Invitae Variant Classification Sherloc (09022015). Collection method: clinical testing. Allele origin: germline.
Comment: For these reasons, this variant has been classified as Pathogenic. This variant has not been reported in the literature in individuals affected with MYBPC3-related conditions. This variant is not present in population databases (ExAC no frequency). This sequence change creates a premature translational stop signal (p.Lys779Glnfs*54) in the MYBPC3 gene. It is expected to result in an absent or disrupted protein product. Loss-of-function variants in MYBPC3 are known to be pathogenic (PMID: 19574547).

Literature cited by the submitters: PubMed 19574547.

NM_000256.3(MYBPC3):c.2334dup (p.Lys779fs)

Gene: MYBPC3 (myosin binding protein C3; minus strand). Cytogenetic location: 11p11.2.
Variant type: Duplication.
Coding change: c.2334dup on transcript NM_000256.3 (MANE Select); coding-DNA position 2334, one base duplicated (C; older notation c.2334dupC).
Protein change: p.Lys779fs; shifts the reading frame from lysine 779.
Molecular consequence: frameshift variant.
Genome position (GRCh38, 1-based): chr11:47,337,769, G duplicated on the plus strand (C on the coding strand, the reverse complement: MYBPC3 is on the minus strand); the first of 5 consecutive G bases (chr11:47,337,769-47,337,773); duplicating any one gives the same sequence. VCF-style (leftmost placement, unchanged base first): chr11-47337768-T-TG. GRCh37 (hg19) VCF-style: chr11-47359319-T-TG.
Other names: short protein forms K779fs.
Identifiers: ClinVar variation 1455948 (VCV001455948.6), dbSNP rs1057518030, ClinGen allele CA1969331610.
Genomic context (GRCh38, chr11:47,337,768, plus strand): 5'-CATCGTAGGCAGGCGGCTCCCACTGTACTGTGCAGGAGTCCTCTCCCACGTTGCTGATCT[T>TG]GGGGGCCGCAGGTGCGTCTGGCACGTCTGGATGGGGTGGGATGGACCCACATCAGCCCTG-3'